The following is an entry in ClinVar:

ClinVar aggregate classification (germline): Uncertain significance. Review status: criteria provided, multiple submitters, no conflicts (2 of 4 stars). 3 submissions from 3 submitters: Uncertain significance (2). 1 of the submissions does not count toward it. Last evaluated 2024-08-28.

Conditions:
SNAP25-related disorder.
Developmental and epileptic encephalopathy. Identifiers: MedGen C5779964, MONDO:0100620.
Congenital myasthenic syndrome 18. Also called: MYASTHENIC SYNDROME, CONGENITAL, 18, WITH INTELLECTUAL DISABILITY AND ATAXIA. Identifiers: Orphanet 590, MedGen C4225364, MONDO:0014590, OMIM 616330.

Allele frequency attached by ClinVar (database versions not stated): gnomAD exomes below 0.00001; gnomAD 0.00001; TOPMed 0.00001.
gnomAD v4.1: 6 of 1,613,524 alleles (0.00037%); highest among the groups gnomAD compares: Non-Finnish European, 0.00042%; no homozygotes.

Submissions (3):

Labcorp Genetics (formerly Invitae), Labcorp
Classification: Uncertain significance for Congenital myasthenic syndrome 18. Last evaluated: 2024-08-28. Review status: criteria provided, single submitter. Criteria: Invitae Variant Classification Sherloc (09022015). Collection method: clinical testing. Allele origin: germline.
Comment: This sequence change replaces arginine, which is basic and polar, with histidine, which is basic and polar, at codon 31 of the SNAP25 protein (p.Arg31His). This variant is not present in population databases (gnomAD no frequency). This variant has not been reported in the literature in individuals affected with SNAP25-related conditions. ClinVar contains an entry for this variant (Variation ID: 1285530). An algorithm developed to predict the effect of missense changes on protein structure and function (PolyPhen-2) suggests that this variant is likely to be disruptive. In summary, the available evidence is currently insufficient to determine the role of this variant in disease. Therefore, it has been classified as a Variant of Uncertain Significance.

Institute of Human Genetics, University of Leipzig Medical Center
Classification: Uncertain significance for Early-infantile DEE. Last evaluated: 2020-07-15. Review status: criteria provided, single submitter. Criteria: ACMG Guidelines, 2015. Collection method: clinical testing. Allele origin: unknown. Affected: yes.

PreventionGenetics, part of Exact Sciences
Classification: Uncertain significance for SNAP25-related condition. Last evaluated: 2024-06-25. Review status: no assertion criteria provided. Collection method: clinical testing. Allele origin: germline. Not counted in ClinVar's aggregate classification.
Comment: The SNAP25 c.92G>A variant is predicted to result in the amino acid substitution p.Arg31His. This variant has been reported, as a variant of uncertain significance, in a patient with ADHD, autism, anxiety, developmental delays and macrocephaly (Patient V1, Supplementary table 1; Klockner et al. 2021. PubMed ID: 33299146). This variant is absent from a large population database, indicating this variant is rare. At this time, the clinical significance of this variant is uncertain due to the absence of conclusive functional and genetic evidence.

Literature cited by the submitters: PubMed 33299146 (cited by Institute of Human Genetics, University of Leipzig Medical Center).

NM_130811.4(SNAP25):c.92G>A (p.Arg31His)

Gene: SNAP25 (synaptosome associated protein 25; plus strand). Cytogenetic location: 20p12.2.
Variant type: single nucleotide variant.
Coding change: c.92G>A on transcript NM_130811.4 (MANE Select); coding-DNA position 92, G replaced by A.
Protein change: p.Arg31His; replaces arginine 31 with histidine.
Molecular consequence: missense variant.
Genome position (GRCh38, 1-based): chr20:10,277,704, G>A. VCF-style: chr20-10277704-G-A. GRCh37 (hg19) VCF-style: chr20-10258352-G-A.
Other names: c.92G>A, p.Arg31His (NM_001322902.2, NM_001322903.2, NM_001322904.2 and 7 more transcripts); short protein forms R31H.
Identifiers: ClinVar variation 1285530 (VCV001285530.11), dbSNP rs1341058084, ClinGen allele CA408265359.
Genomic context (GRCh38, chr20:10,277,704, plus strand): 5'-GCACTCATAAAGTTTATGTTTGTTTGTTTTTTAAATCTTAGTCGCTGGAAAGCACCCGTC[G>A]TATGCTGCAACTGGTTGAAGAGGTAAGAAGTGACAGTATTTTAAGATAAAGGAACAAATC-3'
Protein context (NP_570824.1, residues 21-41): LADESLESTR[Arg31His]MLQLVEESKD